The following is an entry in ClinVar:

ClinVar aggregate classification (germline): Uncertain significance (1 of 4 stars; one submission).

Conditions:
Neurodevelopmental disorder with hypotonia, facial dysmorphism, and brain abnormalities (NEDHFBA). Also called: EL-HATTAB-SCHMIDTS SYNDROME; PPP1R21-Related El-Hattab-Schmidts Syndrome. Identifiers: MedGen C5543591, MONDO:0859165, OMIM 619383.

Submission:

Juno Genomics, Hangzhou Juno Genomics, Inc
Classification: Uncertain significance for Neurodevelopmental disorder with hypotonia, facial dysmorphism, and brain abnormalities. Review status: criteria provided, single submitter. Criteria: ACMG Guidelines, 2015. Collection method: clinical testing. Allele origin: germline.
Comment: Absent from controls (or at extremely low frequency if recessive) in Genome Aggregation Database.;Null variant in a gene where loss of function (LOF) is a known mechanism of disease.

NM_001135629.3(PPP1R21):c.126+1G>T

Gene: PPP1R21 (protein phosphatase 1 regulatory subunit 21; plus strand). Cytogenetic location: 2p16.3.
Variant type: single nucleotide variant.
Coding change: c.126+1G>T on transcript NM_001135629.3 (MANE Select); the canonical splice donor site of the intron after coding-DNA position 126, G replaced by T.
Molecular consequence: splice donor variant.
Genome position (GRCh38, 1-based): chr2:48,451,077, G>T. VCF-style: chr2-48451077-G-T. GRCh37 (hg19) VCF-style: chr2-48678216-G-T.
Other names: c.126+1G>T (NM_152994.5, NM_001193475.2).
Identifiers: ClinVar variation 5019396 (VCV005019396.2).